The following is an entry in ClinVar:

NM_001042492.3(NF1):c.2086T>C (p.Trp696Arg)

Gene: NF1 (neurofibromin 1; plus strand). Cytogenetic location: 17q11.2.
Variant type: single nucleotide variant.
Coding change: c.2086T>C on transcript NM_001042492.3 (MANE Select); coding-DNA position 2086, T replaced by C.
Protein change: p.Trp696Arg; replaces tryptophan 696 with arginine.
Molecular consequence: missense variant.
Genome position (GRCh38, 1-based): chr17:31,226,519, T>C. VCF-style: chr17-31226519-T-C. GRCh37 (hg19) VCF-style: chr17-29553537-T-C.
Other names: c.2086T>C, p.Trp696Arg (NM_000267.4); short protein forms W696R.
Identifiers: ClinVar variation 4027415 (VCV004027415.1).
Genomic context (GRCh38, chr17:31,226,519, plus strand): 5'-ACCCCCCCGATTTGCCGACAAGCCCAGACCAAACTAGAAGTGGCCCTGTACATGTTTCTG[T>C]GGAACCCTGACACTGAAGCTGTTCTGGTTGCCATGTCCTGTTTCCGCCACCTCTGTGAGG-3'
Protein context (NP_001035957.1, residues 686-706): KLEVALYMFL[Trp696Arg]NPDTEAVLVA

ClinVar aggregate classification (germline): Uncertain significance (1 of 4 stars; one submission).

Conditions:
Cardiovascular phenotype. Identifiers: MedGen CN230736.
Hereditary cancer-predisposing syndrome. Also called: Tumor predisposition; Hereditary neoplastic syndrome; Neoplastic Syndromes, Hereditary; Hereditary Cancer Syndrome. Identifiers: Orphanet 140162, MedGen C0027672, MeSH D009386, MONDO:0015356.

Submission:

Ambry Genetics
Classification: Uncertain significance for Cardiovascular phenotype; Hereditary cancer-predisposing syndrome. Last evaluated: 2025-05-06. Review status: criteria provided, single submitter. Criteria: Ambry Variant Classification Scheme 2023. Collection method: clinical testing. Allele origin: germline.
Comment: The p.W696R variant (also known as c.2086T>C), located in coding exon 18 of the NF1 gene, results from a T to C substitution at nucleotide position 2086. The tryptophan at codon 696 is replaced by arginine, an amino acid with dissimilar properties. This amino acid position is conserved. In addition, this alteration is predicted to be deleterious by in silico analysis. Based on the available evidence, the clinical significance of this variant remains unclear.